The following is an entry in ClinVar:

NM_001166108.2(PALLD):c.77T>A (p.Phe26Tyr)

Gene: PALLD (palladin, cytoskeletal associated protein; plus strand). Cytogenetic location: 4q32.3.
Variant type: single nucleotide variant.
Coding change: c.77T>A on transcript NM_001166108.2 (MANE Select); coding-DNA position 77, T replaced by A.
Protein change: p.Phe26Tyr; replaces phenylalanine 26 with tyrosine.
Molecular consequence: missense variant.
Genome position (GRCh38, 1-based): chr4:168,511,581, T>A. VCF-style: chr4-168511581-T-A. GRCh37 (hg19) VCF-style: chr4-169432732-T-A.
Other names: c.77T>A, p.Phe26Tyr (NM_016081.4); short protein forms F26Y.
Identifiers: ClinVar variation 3413646 (VCV003413646.1).

ClinVar aggregate classification (germline): Uncertain significance (1 of 4 stars; one submission).

Submission:

Ambry Genetics
Classification: Uncertain significance. Last evaluated: 2024-10-23. Review status: criteria provided, single submitter. Criteria: Ambry Variant Classification Scheme 2023. Collection method: clinical testing. Allele origin: germline.
Comment: The p.F26Y variant (also known as c.77T>A), located in coding exon 1 of the PALLD gene, results from a T to A substitution at nucleotide position 77. The phenylalanine at codon 26 is replaced by tyrosine, an amino acid with highly similar properties. This amino acid position is conserved. In addition, this alteration is predicted to be tolerated by in silico analysis. Based on the available evidence, the clinical significance of this variant remains unclear.